The following is an entry in ClinVar:

NM_001261428.3(LPIN1):c.22C>T (p.Arg8Cys)

Gene: LPIN1 (lipin 1; plus strand). Cytogenetic location: 2p25.1.
Variant type: single nucleotide variant.
Coding change: c.22C>T on transcript NM_001261428.3; coding-DNA position 22, C replaced by T.
Protein change: p.Arg8Cys; replaces arginine 8 with cysteine.
Molecular consequence: missense variant.
Genome position (GRCh38, 1-based): chr2:11,677,669, C>T. VCF-style: chr2-11677669-C-T. GRCh37 (hg19) VCF-style: chr2-11817795-C-T.
Other names: c.22C>T, p.Arg8Cys (NM_001349207.2, NM_001349208.2); short protein forms R8C.
Identifiers: ClinVar variation 3034250 (VCV003034250.2), dbSNP rs571047329, ClinGen allele CA1533285.

ClinVar aggregate classification (germline): Likely benign (0 of 4 stars; one submission).

Conditions:
LPIN1-related disorder. Also called: LPIN1-related condition.

Allele frequency attached by ClinVar (database versions not stated): gnomAD 0.00018; TOPMed 0.00018; 1000 Genomes Project 0.00020; 1000 Genomes Project 30x 0.00031; gnomAD exomes 0.00016; ExAC 0.00130.
gnomAD v4.1: 268 of 1,535,698 alleles (0.017%); highest among the groups gnomAD compares: Admixed American, 0.037%; 1 homozygote.

Submission:

PreventionGenetics, part of Exact Sciences
Classification: Likely benign for LPIN1-related condition. Last evaluated: 2020-08-17. Review status: no assertion criteria provided. Collection method: clinical testing. Allele origin: germline.
Comment: This variant is classified as likely benign based on ACMG/AMP sequence variant interpretation guidelines (Richards et al. 2015 PMID: 25741868, with internal and published modifications).